The following is an entry in ClinVar:

ClinVar aggregate classification (germline): Uncertain significance (1 of 4 stars; one submission).

Conditions:
UNC5C-related disorder. Also called: UNC5C-related condition.

Allele frequency attached by ClinVar (database versions not stated): gnomAD 0.00001.
gnomAD v4.1: 2 of 1,613,944 alleles (0.00012%); highest among the groups gnomAD compares: African/African-American, 0.0027%; no homozygotes.

Submission:

PreventionGenetics, part of Exact Sciences
Classification: Uncertain significance for UNC5C-related condition. Last evaluated: 2023-02-13. Review status: criteria provided, single submitter. Criteria: ACMG Guidelines, 2015. Collection method: clinical testing. Allele origin: germline.
Comment: The UNC5C c.2537T>C variant is predicted to result in the amino acid substitution p.Leu846Pro. To our knowledge, this variant has not been reported in the literature or in a large population database, indicating this variant is rare. At this time, the clinical significance of this variant is uncertain due to the absence of conclusive functional and genetic evidence.

NM_003728.4(UNC5C):c.2537T>C (p.Leu846Pro)

Gene: UNC5C (unc-5 netrin receptor C; minus strand). Cytogenetic location: 4q22.3.
Variant type: single nucleotide variant.
Coding change: c.2537T>C on transcript NM_003728.4 (MANE Select); coding-DNA position 2537, T replaced by C.
Protein change: p.Leu846Pro; replaces leucine 846 with proline.
Molecular consequence: missense variant.
Genome position (GRCh38, 1-based): chr4:95,170,247, A>G on the plus strand (T>C on the coding strand, the complement: UNC5C is on the minus strand). VCF-style: chr4-95170247-A-G. GRCh37 (hg19) VCF-style: chr4-96091398-A-G.
Other names: short protein forms L846P.
Identifiers: ClinVar variation 2630639 (VCV002630639.1), dbSNP rs929930790, ClinGen allele CA101693417.
Genomic context (GRCh38, chr4:95,170,247, plus strand): 5'-CAGTCATGGCCTCTCGTCTGGGGGGCATCCAGGCTGCTACAGAGCTTCTGCCGGATAGGG[A>G]GAGGGATGCTGAAAGCACTGGGCCCCGTGACCGTGGTGATGGTGTTCGCAGGATCCAGCA-3'
Protein context (NP_003719.3, residues 836-856): VTGPSAFSIP[Leu846Pro]PIRQKLCSSL